The following is an entry in ClinVar:

ClinVar aggregate classification (germline): Likely benign. Review status: criteria provided, multiple submitters, no conflicts (2 of 4 stars). 8 submissions from 8 submitters: Likely benign (6). 2 of the submissions do not count toward it. Last evaluated 2025-12-15.

Conditions:
Hereditary sensory and autonomic neuropathy type 6. Also called: Neuropathy, hereditary sensory and autonomic, type VI; HSAN VI. Identifiers: Orphanet 314381, MedGen C3539003, MONDO:0013839, OMIM 614653.
Epidermolysis bullosa simplex 3, localized or generalized intermediate, with BP230 deficiency (EBS3). Also called: Epidermolysis bullosa simplex due to BP230 deficiency; Epidermolysis bullosa simplex, autosomal recessive 2. Identifiers: Orphanet 412181, MedGen C3809470, MONDO:0014180, OMIM 615425.
DST-related disorder. Also called: DST-related condition; DST-related disorders.

Allele frequency attached by ClinVar (database versions not stated): ESP Exome Variant Server 0.00038; gnomAD 0.00041 and 0.00045; TOPMed 0.00045; 1000 Genomes Project 30x 0.00047; 1000 Genomes Project 0.00060.
gnomAD v4.1: 916 of 1,613,418 alleles (0.057%); highest among the groups gnomAD compares: Non-Finnish European, 0.07%; no homozygotes.

Submissions (8):

Labcorp Genetics (formerly Invitae), Labcorp
Classification: Likely benign for Epidermolysis bullosa simplex 3, localized or generalized intermediate, with BP230 deficiency; Hereditary sensory and autonomic neuropathy type 6. Last evaluated: 2025-12-15. Review status: criteria provided, single submitter. Criteria: Invitae Variant Classification Sherloc (09022015). Collection method: clinical testing. Allele origin: germline.

CeGaT Center for Human Genetics Tuebingen
Classification: Likely benign. Last evaluated: 2025-09-01. Review status: criteria provided, single submitter. Criteria: CeGaT Center For Human Genetics Tuebingen Variant Classification Criteria Version 2. Collection method: clinical testing. Allele origin: germline. Affected: yes. Observed: 3 variant alleles.
Comment: DST: BP4

PreventionGenetics, part of Exact Sciences
Classification: Likely benign for DST-related condition. Last evaluated: 2025-07-07. Review status: criteria provided, single submitter. Criteria: ACMG Guidelines, 2015. Collection method: clinical testing. Allele origin: germline.
Comment: This variant is classified as likely benign based on ACMG/AMP sequence variant interpretation guidelines (Richards et al. 2015 PMID: 25741868, with internal and published modifications).

Women's Health and Genetics/Laboratory Corporation of America, LabCorp
Classification: Likely benign. Last evaluated: 2025-03-18. Review status: criteria provided, single submitter. Criteria: LabCorp Variant Classification Summary - May 2015. Collection method: clinical testing. Allele origin: germline.
Comment: Variant summary: DST c.3027+7A>T alters a non-conserved nucleotide located close to a canonical splice site and therefore could affect mRNA splicing, leading to a significantly altered protein sequence. Consensus agreement among computation tools predict no significant impact on normal splicing. However, these predictions have yet to be confirmed by functional studies. The variant allele was found at a frequency of 0.00057 in 1606448 control chromosomes, predominantly at a frequency of 0.0007 within the Non-Finnish European subpopulation in the gnomAD database. However, in certain European subpopulations the variant is found at an even higher frequency, e.g. in Southern Europeans (20 / 11604 alleles; AF: 0.0017; in the gnomAD v2.1 dataset), which is higher than the estimated maximal expected allele frequency for a pathogenic variant in DST causing Epidermolysis bullosa simplex 3, localized or generalized intermediate, with BP230 deficiency phenotype (0.0011). To our knowledge, no occurrence of c.3027+7A>T in individuals affected with Epidermolysis bullosa simplex 3, localized or generalized intermediate, with BP230 deficiency and no experimental evidence demonstrating its impact on protein function have been reported. ClinVar contains an entry for this variant (Variation ID: 357594). Based on the evidence outlined above, the variant was classified as likely benign.

Blueprint Genetics
Classification: Likely benign. Last evaluated: 2024-11-18. Review status: criteria provided, single submitter. Criteria: ACMG Guidelines, 2015. Collection method: clinical testing. Allele origin: germline.

Mayo Clinic Laboratories, Mayo Clinic
Classification: Likely benign. Last evaluated: 2024-10-30. Review status: criteria provided, single submitter. Criteria: ACMG Guidelines, 2015. Collection method: clinical testing. Allele origin: germline. Observed: 3 variant alleles.
Comment: BP4, BP7

Clinical Genetics, Academic Medical Center
Classification: Likely benign. Review status: no assertion criteria provided. Collection method: clinical testing. Allele origin: germline. Affected: yes. Study: VKGL Data-share Consensus. Not counted in ClinVar's aggregate classification.

Genome Diagnostics Laboratory, University Medical Center Utrecht
Classification: Likely benign. Review status: no assertion criteria provided. Collection method: clinical testing. Allele origin: germline. Affected: yes. Study: VKGL Data-share Consensus. Not counted in ClinVar's aggregate classification.

NM_001374736.1(DST):c.4638+7A>T

Gene: DST (dystonin; minus strand). Cytogenetic location: 6p12.1.
Variant type: single nucleotide variant.
Coding change: c.4638+7A>T on transcript NM_001374736.1 (MANE Select); 7 bases into the intron after coding-DNA position 4638, A replaced by T.
Molecular consequence: intron variant.
Genome position (GRCh38, 1-based): chr6:56,627,992, T>A on the plus strand (A>T on the coding strand, the complement: DST is on the minus strand). VCF-style: chr6-56627992-T-A. GRCh37 (hg19) VCF-style: chr6-56492790-T-A.
Other names: p.?; c.4539+7A>T (NM_001144769.5); c.4638+7A>T (NM_001374722.1); c.4665+7A>T (NM_001374734.1); c.4125+7A>T (NM_001144770.2); c.4005+7A>T (NM_001374730.1, NM_001386100.1, NM_183380.4 and 1 more transcripts); c.3027+7A>T (NM_015548.5, NM_001723.7).
Identifiers: ClinVar variation 357594 (VCV000357594.45), dbSNP rs185349093, ClinGen allele CA3870854.